The following is an entry in ClinVar:

ClinVar aggregate classification (germline): Likely pathogenic. Review status: reviewed by expert panel (3 of 4 stars). 15 submissions from 15 submitters: Likely pathogenic (1). 14 of the submissions do not count toward it. Last evaluated 2024-12-03.

Conditions:
Noonan syndrome 2 (NS2). Identifiers: Orphanet 648, MedGen C1854469, MONDO:0011531, OMIM 605275.
Noonan syndrome 10 (NS10). Identifiers: Orphanet 648, MedGen C4225280, MONDO:0014693, OMIM 616564.
LZTR1-related schwannomatosis. Also called: Schwannomatosis 2; Schwannomatosis-2, susceptibility to. Identifiers: Orphanet 93921, MedGen C3810283, MONDO:0014299, OMIM 615670.
Cardiovascular phenotype. Identifiers: MedGen CN230736.
Hereditary cancer-predisposing syndrome. Also called: Tumor predisposition; Neoplastic Syndromes, Hereditary; Hereditary Cancer Syndrome; Hereditary neoplastic syndrome. Identifiers: Orphanet 140162, MedGen C0027672, MeSH D009386, MONDO:0015356.
RASopathy. Also called: Noonan spectrum disorder; rasopathies. Identifiers: Orphanet 536391, MedGen C5555857, MONDO:0021060.
LZTR1-related disorder. Also called: LZTR1-related disorders; LZTR1-related condition.

Allele frequency attached by ClinVar (database versions not stated): TOPMed below 0.00001; gnomAD 0.00001.
gnomAD v4.1: 11 of 1,603,678 alleles (0.00069%); highest among the groups gnomAD compares: African/African-American, 0.0013%; no homozygotes.

Submissions 1 to 9 of 15:

ClinGen RASopathy Variant Curation Expert Panel
Classification: Likely pathogenic for RASopathy. Last evaluated: 2024-12-03. Review status: reviewed by expert panel. Criteria: ClinGen RASopathy ACMG Specifications LZTR1 V1.3.0. Collection method: curation. Allele origin: germline. Inheritance: Autosomal dominant inheritance.
Comment: The NM_006767.4:c.850C>T variant in LZTR1 is a missense variant predicted to cause substitution of arginine by cysteine at amino acid 284 (p.Arg284Cys). This variant is absent from gnomAD v2.1.1 (PM2_Supporting). The computational predictor REVEL gives a score of 0.801, which is above the threshold of 0.7, evidence that correlates with impact to LZTR1 function (PP3). This variant has been reported in 1 proband meeting NS diagnostic criteria (PS4_Supporting; PMID:25795793). This variant has been identified as a de novo occurrence with confirmed parental relationships in 1 individual with Noonan syndrome (PS2; PMID:25795793). RAS, MEK, and ERK activation in HEK293T cells showed increased level of endogenous active, GTP-bound RAS and increased phosphorylation of MEK and ERK, indicating that this variant impacts protein function (PMID:30481304)(PS3_Moderate). In summary, this variant meets the criteria to be classified as likely pathogenic for autosomal dominant RASopathy based on the ACMG/AMP criteria applied, as specified by the ClinGen RASopathy VCEP: PS2, PS3_Moderate, PS4_Supporting, PM2_Supporting, PP3. (ClinGen RASopathy VCEP specifications version 1.3; 12/3/2024)

Labcorp Genetics (formerly Invitae), Labcorp
Classification: Pathogenic. Last evaluated: 2025-12-29. Review status: criteria provided, single submitter. Criteria: Invitae Variant Classification Sherloc (09022015). Collection method: clinical testing. Allele origin: germline. Not counted in ClinVar's aggregate classification.
Comment: This sequence change replaces arginine, which is basic and polar, with cysteine, which is neutral and slightly polar, at codon 284 of the LZTR1 protein (p.Arg284Cys). This variant is not present in population databases (gnomAD no frequency). This missense change has been observed in individual(s) with Noonan syndrome and/or schwannomatosis (PMID: 25335493, 25795793, 30664951). In at least one individual the variant was observed to be de novo. It has also been observed to segregate with disease in related individuals. ClinVar contains an entry for this variant (Variation ID: 209089). Invitae Evidence Modeling of protein sequence and biophysical properties (such as structural, functional, and spatial information, amino acid conservation, physicochemical variation, residue mobility, and thermodynamic stability) indicates that this missense variant is not expected to disrupt LZTR1 protein function with a negative predictive value of 80%. Experimental studies have shown that this missense change affects LZTR1 function (PMID: 30481304). For these reasons, this variant has been classified as Pathogenic.

Clinical Genomics Laboratory, Washington University in St. Louis
Classification: Likely pathogenic for Noonan syndrome 10. Last evaluated: 2025-05-27. Review status: criteria provided, single submitter. Criteria: Leon-Quintero et al. (Clin Genet. 2025). Collection method: clinical testing. Allele origin: somatic. Affected: yes. Not counted in ClinVar's aggregate classification.
Comment: An LZTR1 c.850C>T (p.Arg284Cys) variant was identified at an allelic fraction consistent with somatic origin. This variant has been reported in several affected individuals with Noonan Syndrome and Schwanomatosis in a germline state (Farschtschi S et al., PMID: 27472264; Jacquinet A et al., PMID: 30664951; Yamamoto GL et al., PMID: 25795793), but, to our knowledge, has not been described in a somatic state in RASopathy disorders. This variant has been reported in the ClinVar database as a germline pathogenic/likely pathogenic variant by multiple submitters. This variant has been classified in the ClinVar database by an expert panel as likely pathogenic (ClinVar Variation ID: 209089). This variant has been reported in three cases in the cancer database COSMIC (Genomic Mutation ID: COSV53145634). The LZTR1 c.850C>T (p.Arg284Cys) variant is only observed in 11/1,603,678 alleles in the general population (gnomAD v4.1.0), indicating it is not a common variant. This variant resides within a Kelch 4 region, amino acids 239-285, of LZTR1 that is defined as a critical functional domain (Chaves Rabelo N et al., PMID: 36304179; Motta M et al., PMID: 30481304). Computational predictors indicate that the variant is damaging, evidence that correlates with impact to LZTR1 function. In support of this prediction, functional studies show that this variant results in over expression of aberrant LZTR1 thereby inducing RAS activation and increased phosphorylation of both MEK1/2 as well as ERK1/2 proteins in vitro (Motta M et al., PMID: 30481304). Another variant in the same codon, c.851G>A (p.Arg284His), has been reported in at least one individual with Noonan Syndrome and is considered pathogenic/likely pathogenic (Cambra A et al., PMID: 33262485, ClinVar Variation ID: 956230). Based on available information, an internally developed protocol informed by the ACMG/AMP guidelines for variant interpretation (Leon-Quintero FZ et al., PMID: 39434542) and gene-specific practices from the ClinGen RASopathy Expert Panel Specification Registry (Gelb BD et al., PMID: 29493581), the LZTR1 c.850C>T (p.Arg284Cys) variant is classified as likely pathogenic.

Medical Genetics Center, Maternal and Child Health Hospital of Hubei Province
Classification: Pathogenic for Noonan syndrome 10. Last evaluated: 2025-01-22. Review status: criteria provided, single submitter. Criteria: ACMG Guidelines, 2015. Collection method: clinical testing. Allele origin: de novo. Affected: yes. Not counted in ClinVar's aggregate classification.
Comment: PP1_Strong+PS2_Moderate+PP3_Moderate+PS3_Supporting+PS4_Supporting+PM2_Supporting

Ambry Genetics
Classification: Pathogenic for Cardiovascular phenotype; Hereditary cancer-predisposing syndrome. Last evaluated: 2023-11-01. Review status: criteria provided, single submitter. Criteria: Ambry Variant Classification Scheme 2023. Collection method: clinical testing. Allele origin: germline. Not counted in ClinVar's aggregate classification.
Comment: The p.R284C pathogenic mutation (also known as c.850C>T), located in coding exon 9 of the LZTR1 gene, results from a C to T substitution at nucleotide position 850. The arginine at codon 284 is replaced by cysteine, an amino acid with highly dissimilar properties. This mutation has been reported in the literature in other individuals with autosomal dominant Noonan syndrome (Jacquinet A Eur J Med Genet 2020 Jan;63(1):103617; Bertola DR et al. Am J Med Genet C Semin Med Genet 2020 12;184(4):896-911). This variant has also been reported in an individual with schwannomatosis (Paganini I et al. Eur. J. Hum. Genet., 2015 Jul;23:963-8). Functional studies indicate that this alteration enhances RAS-MAPK signaling (Motta M et al. Hum. Mol. Genet., 2019 03;28:1007-1022). Based on the supporting evidence, this variant is pathogenic for autosomal dominant Noonan syndrome; however, the association of this alteration with an increased risk of LZTR1-related schwannomatosis (SWN) is unknown.

CeGaT Center for Human Genetics Tuebingen
Classification: Pathogenic. Last evaluated: 2023-06-01. Review status: criteria provided, single submitter. Criteria: CeGaT Center For Human Genetics Tuebingen Variant Classification Criteria Version 2. Collection method: clinical testing. Allele origin: germline. Affected: yes. Observed: 1 variant allele. Not counted in ClinVar's aggregate classification.
Comment: LZTR1: PS2, PM2, PP1:Moderate, PS4:Moderate, PP3, PS3:Supporting

Blueprint Genetics
Classification: Pathogenic for LZTR1-related disorders. Last evaluated: 2022-11-09. Review status: criteria provided, single submitter. Criteria: ACMG Guidelines, 2015. Collection method: clinical testing. Allele origin: germline. Affected: yes. Observed: 4 variant alleles. Not counted in ClinVar's aggregate classification.

MGZ Medical Genetics Center
Classification: Pathogenic for Noonan syndrome 10. Last evaluated: 2022-09-06. Review status: criteria provided, single submitter. Criteria: ACMG Guidelines, 2015. Collection method: clinical testing. Allele origin: germline. Affected: yes. Observed: 1 variant allele. Not counted in ClinVar's aggregate classification.
Comment: ACMG criteria applied: PP1_STR, PS4_MOD, PM6, PS3_SUP, PM2_SUP, PP3

GeneDx
Classification: Pathogenic. Last evaluated: 2021-11-12. Review status: criteria provided, single submitter. Criteria: GeneDx Variant Classification Process June 2021. Collection method: clinical testing. Allele origin: germline. Affected: yes. Not counted in ClinVar's aggregate classification.
Comment: Published functional studies demonstrate the variant results in the upregulation of RAS-MAPK signaling (Motta et al., 2019); In silico analysis supports that this missense variant has a deleterious effect on protein structure/function; This variant is associated with the following publications: (PMID: 30664951, 29346770, 25795793, 27942422, 26446362, 25335493, 30481304)

NM_006767.4(LZTR1):c.850C>T (p.Arg284Cys)

Gene: LZTR1 (leucine zipper like post translational regulator 1; plus strand). Cytogenetic location: 22q11.21.
Variant type: single nucleotide variant.
Coding change: c.850C>T on transcript NM_006767.4 (MANE Select); coding-DNA position 850, C replaced by T.
Protein change: p.Arg284Cys; replaces arginine 284 with cysteine.
Molecular consequence: missense variant.
Genome position (GRCh38, 1-based): chr22:20,991,686, C>T. VCF-style: chr22-20991686-C-T. GRCh37 (hg19) VCF-style: chr22-21345975-C-T.
Other names: NM_006767.4(LZTR1):c.850C>T; short protein forms R284C.
Identifiers: ClinVar variation 209089 (VCV000209089.52), dbSNP rs797045165, ClinGen allele CA204980.